The following is an entry in ClinVar:

ClinVar aggregate classification (germline): Pathogenic/Likely pathogenic. Review status: criteria provided, multiple submitters, no conflicts (2 of 4 stars). 5 submissions from 5 submitters: Pathogenic (2); Likely pathogenic (1). 2 of the submissions do not count toward it. Last evaluated 2026-06-23.

Conditions:
FGFR3-related chondrodysplasia. Identifiers: Orphanet 93420, MedGen C5681604, MONDO:0019685.
Hypochondroplasia (HCH). Identifiers: Orphanet 429, MedGen C0410529, MONDO:0007793, OMIM 146000. Disease mechanism: gain of function.

Submissions (5):

Genomenon, Inc
Classification: Pathogenic for FGFR3-related chondrodysplasia. Last evaluated: 2026-06-23. Review status: criteria provided, single submitter. Criteria: Genomenon Sequence Variant Interpretation Standards - Updated. Collection method: curation. Allele origin: germline. Affected: yes.
Comment: FGFR3 p.Lys650Asn (c.1950G>T) is a missense variant that changes the amino acid at codon 650 from Lysine to Asparagine. This variant has been observed in at least one proband with an FGFR3-related disorder (PMID:11055896). At least one functional study has demonstrated a substantial alteration in protein function relative to the wild-type (PMID:11055896;15292251;17320202;26992226). It is absent or not present at a significant frequency in gnomAD. In silico models predict that this variant is possibly or probably damaging. In conclusion, we classify FGFR3 p.Lys650Asn (c.1950G>T) as a pathogenic variant.

GeneDx
Classification: Likely pathogenic. Last evaluated: 2026-02-19. Review status: criteria provided, single submitter. Criteria: GeneDx Variant Classification Process June 2021. Collection method: clinical testing. Allele origin: germline.
Comment: Described in an individual with hypochondroplasia (PMID: 11055896); In silico analysis supports that this missense variant has a deleterious effect on protein structure/function; Not observed at significant frequency in large population cohorts (gnomAD); This variant is associated with the following publications: (PMID: 21510009, 20453470, 16912704, 23871672, 25728633, 11055896, 34272467)

Labcorp Genetics (formerly Invitae), Labcorp
Classification: Pathogenic. Last evaluated: 2025-08-08. Review status: criteria provided, single submitter. Criteria: Invitae Variant Classification Sherloc (09022015). Collection method: clinical testing. Allele origin: germline.
Comment: This sequence change replaces lysine, which is basic and polar, with asparagine, which is neutral and polar, at codon 650 of the FGFR3 protein (p.Lys650Asn). This variant is not present in population databases (gnomAD no frequency). This missense change has been observed in individuals with clinical features of hypochondroplasia (PMID: 11055896; internal data). ClinVar contains an entry for this variant (Variation ID: 16346). Invitae Evidence Modeling of protein sequence and biophysical properties (such as structural, functional, and spatial information, amino acid conservation, physicochemical variation, residue mobility, and thermodynamic stability) indicates that this missense variant is expected to disrupt FGFR3 protein function with a positive predictive value of 95%. This variant disrupts the p.Lys650 amino acid residue in FGFR3. Other variant(s) that disrupt this residue have been determined to be pathogenic (PMID: 11055896, 16912704, 20453470, 21510009). This suggests that this residue is clinically significant, and that variants that disrupt this residue are likely to be disease-causing. For these reasons, this variant has been classified as Pathogenic.

OMIM
Classification: Pathogenic for HYPOCHONDROPLASIA. Last evaluated: 2000-12-01. Review status: no assertion criteria provided. Collection method: literature only. Allele origin: germline. Not counted in ClinVar's aggregate classification.

GeneReviews
No classification provided. Condition: Hypochondroplasia. Review status: no classification provided. Collection method: literature only. Allele origin: germline. Not counted in ClinVar's aggregate classification.
Comment: Milder skeletal phenotype [Bellus et al 2000]

Literature cited by the submitters: PubMed 11055896 (cited by 4 submitters); PubMed 16912704 (cited by Labcorp Genetics (formerly Invitae), Labcorp); PubMed 20453470 (cited by Labcorp Genetics (formerly Invitae), Labcorp); PubMed 21510009 (cited by Labcorp Genetics (formerly Invitae), Labcorp); NCBI Bookshelf NBK1477 (cited by GeneReviews).

NM_000142.5(FGFR3):c.1950G>T (p.Lys650Asn)

Gene: FGFR3 (fibroblast growth factor receptor 3; plus strand). Cytogenetic location: 4p16.3.
Variant type: single nucleotide variant.
Coding change: c.1950G>T on transcript NM_000142.5 (MANE Select); coding-DNA position 1950, G replaced by T.
Protein change: p.Lys650Asn; replaces lysine 650 with asparagine.
Molecular consequence: missense variant. On other transcripts: non-coding transcript variant (1).
Genome position (GRCh38, 1-based): chr4:1,806,164, G>T. VCF-style: chr4-1806164-G-T. GRCh37 (hg19) VCF-style: chr4-1807891-G-T.
Other names: FGFR3, LYS650ASN, 1950G-T; c.1956G>T, p.Lys652Asn (NM_001163213.2); c.1953G>T, p.Lys651Asn (NM_001354809.2, NM_001354810.2); c.1614G>T, p.Lys538Asn (NM_022965.4); short protein forms K650N, K652N, K538N, K651N.
Identifiers: ClinVar variation 16346 (VCV000016346.11), dbSNP rs28928868, ClinGen allele CA341419.